The following is an entry in ClinVar:

NM_001372066.1(TFAP2A):c.1031+2dup

Gene: TFAP2A (transcription factor AP-2 alpha; minus strand). Cytogenetic location: 6p24.3.
Variant type: Duplication.
Coding change: c.1031+2dup on transcript NM_001372066.1 (MANE Select); the canonical splice donor site of the intron after coding-DNA position 1031, one base duplicated (T; older notation c.1031+2dupT).
Molecular consequence: splice donor variant.
Genome position (GRCh38, 1-based): chr6:10,400,446, A duplicated on the plus strand (T on the coding strand, the reverse complement: TFAP2A is on the minus strand). VCF-style (leftmost placement, unchanged base first): chr6-10400445-T-TA. GRCh37 (hg19) VCF-style: chr6-10400678-T-TA.
Other names: c.1013+2dup (NM_001042425.3); c.1007+2dup (NM_001032280.3).
Identifiers: ClinVar variation 1001119 (VCV001001119.7), dbSNP rs1761966047, ClinGen allele CA1609974679.

ClinVar aggregate classification (germline): Uncertain significance (1 of 4 stars; one submission).

Submission:

Labcorp Genetics (formerly Invitae), Labcorp
Classification: Uncertain significance. Last evaluated: 2018-01-30. Review status: criteria provided, single submitter. Criteria: Invitae Variant Classification Sherloc (09022015). Collection method: clinical testing. Allele origin: germline.
Comment: This sequence change falls in intron 6 of the TFAP2A gene. It does not directly change the encoded amino acid sequence of the TFAP2A protein, but it affects a nucleotide within the consensus splice site of the intron. This variant is not present in population databases (ExAC no frequency). This variant has not been reported in the literature in individuals with TFAP2A-related disease. Nucleotide substitutions within the consensus splice site are a relatively common cause of aberrant splicing (PMID: 17576681, 9536098). Algorithms developed to predict the effect of sequence changes on RNA splicing suggest that this variant may disrupt the consensus splice site, but this prediction has not been confirmed by published transcriptional studies. In summary, the available evidence is currently insufficient to determine the role of this variant in disease. Therefore, it has been classified as a Variant of Uncertain Significance.

Literature cited by the submitters: PubMed 17576681; PubMed 9536098.